The following is an entry in ClinVar:

ClinVar aggregate classification (germline): Benign (1 of 4 stars; one submission).

Allele frequency attached by ClinVar (database versions not stated): TOPMed 0.33577; gnomAD 0.34294; 1000 Genomes Project 30x 0.35540; 1000 Genomes Project 0.36442.
gnomAD v4.1: 557,447 of 1,358,996 alleles (41%); highest among the groups gnomAD compares: East Asian, 66%; 118,846 homozygotes.

Submission:

Unidad de Genómica Garrahan, Hospital de Pediatría Garrahan
Classification: Benign. Last evaluated: 2024-01-24. Review status: criteria provided, single submitter. Criteria: ACMG Guidelines, 2015. Collection method: clinical testing. Allele origin: germline. Affected: no. Observed: 66 variant alleles.
Comment: This variant is classified as Benign based on local population frequency. This variant was detected in 69% of patients studied by a panel of primary immunodeficiencies. Number of patients: 66. Only high quality variants are reported.

NM_006074.5(TRIM22):c.750+60T>C

Gene: TRIM22 (tripartite motif containing 22; plus strand). Cytogenetic location: 11p15.4.
Variant type: single nucleotide variant.
Coding change: c.750+60T>C on transcript NM_006074.5 (MANE Select); 60 bases into the intron after coding-DNA position 750, T replaced by C.
Molecular consequence: intron variant.
Genome position (GRCh38, 1-based): chr11:5,698,605, T>C. VCF-style: chr11-5698605-T-C. GRCh37 (hg19) VCF-style: chr11-5719835-T-C.
Other names: c.738+60T>C (NM_001199573.2).
Identifiers: ClinVar variation 2688019 (VCV002688019.2), dbSNP rs2291844, ClinGen allele CA13515130.